The following is an entry in ClinVar:

NM_000245.4(MET):c.2364+1G>T

Gene: MET (MET proto-oncogene, receptor tyrosine kinase; plus strand). Cytogenetic location: 7q31.2.
Variant type: single nucleotide variant.
Coding change: c.2364+1G>T on transcript NM_000245.4 (MANE Select); the canonical splice donor site of the intron after coding-DNA position 2364, G replaced by T.
Molecular consequence: splice donor variant.
Genome position (GRCh38, 1-based): chr7:116,759,491, G>T. VCF-style: chr7-116759491-G-T. GRCh37 (hg19) VCF-style: chr7-116399545-G-T.
Other names: c.2418+1G>T (NM_001127500.2, NM_001127500.3); c.1074+1G>T (NM_001324402.2); c.2364+1G>T (NM_001324401.3).
Identifiers: ClinVar variation 3294319 (VCV003294319.2).

ClinVar aggregate classification (germline): Uncertain significance. Review status: criteria provided, single submitter (1 of 4 stars). 2 submissions from 2 submitters: Uncertain significance (1). 1 of the submissions does not count toward it. Last evaluated 2024-04-09.

Conditions:
Hereditary cancer-predisposing syndrome. Also called: Tumor predisposition; Hereditary Cancer Syndrome; Hereditary neoplastic syndrome; Neoplastic Syndromes, Hereditary. Identifiers: Orphanet 140162, MedGen C0027672, MeSH D009386, MONDO:0015356.
MET-related disorder. Also called: MET-related condition.

Submissions (2):

Ambry Genetics
Classification: Uncertain significance for Hereditary cancer-predisposing syndrome. Last evaluated: 2024-04-09. Review status: criteria provided, single submitter. Criteria: Ambry Variant Classification Scheme 2023. Collection method: clinical testing. Allele origin: germline.
Comment: The c.2418+1G>T intronic variant results from a G to T substitution one nucleotide after coding exon 9 of the MET gene. This nucleotide position is highly conserved in available vertebrate species. In silico splice site analysis predicts that this alteration may weaken the native splice donor site. Alterations that disrupt the canonical splice site are expected to cause aberrant splicing, resulting in an abnormal protein or a transcript that is subject to nonsense-mediated mRNA decay. However, loss of function of MET has not been established as a mechanism of disease. Based on the available evidence, the clinical significance of this alteration remains unclear.

PreventionGenetics, part of Exact Sciences
Classification: Uncertain significance for MET-related condition. Last evaluated: 2024-03-24. Review status: no assertion criteria provided. Collection method: clinical testing. Allele origin: germline. Not counted in ClinVar's aggregate classification.
Comment: The MET c.2418+1G>T variant is predicted to disrupt the GT donor site and interfere with normal splicing. To our knowledge, this variant has not been reported in the literature or in a large population database, indicating this variant is rare. Although we suspect that this variant may be pathogenic, at this time, the clinical significance of this variant is uncertain due to the absence of conclusive functional and genetic evidence.